The following is an entry in ClinVar:

ClinVar aggregate classification (germline): Benign/Likely benign. Review status: criteria provided, multiple submitters, no conflicts (2 of 4 stars). 7 submissions from 7 submitters: Benign (1); Likely benign (5). 1 of the submissions does not count toward it. Last evaluated 2026-01-19.

Conditions:
Inborn genetic diseases. Identifiers: MedGen C0950123, MeSH D030342.
Pyruvate dehydrogenase complex deficiency (PDHC). Also called: Pyruvate Dehydrogenase Complex Deficiency Disease; Pyruvate dehydrogenase deficiency; Ataxia with lactic acidosis 1; PDH DEFICIENCY; PYRUVATE DECARBOXYLASE DEFICIENCY. Identifiers: Orphanet 765, Orphanet 79243, MedGen C0034345, MONDO:0019169.
Pyruvate dehydrogenase E1-alpha deficiency (PDHAD). Also called: ATAXIA, INTERMITTENT, WITH PYRUVATE DEHYDROGENASE DEFICIENCY; ATAXIA WITH LACTIC ACIDOSIS I; ATAXIA, INTERMITTENT, WITH ABNORMAL PYRUVATE METABOLISM; Ataxia, intermittent, with pyruvate dehydrogenase, or decarboxylase, deficiency. Identifiers: Orphanet 79243, MedGen C1839413, MONDO:0010717, OMIM 312170.

Allele frequency attached by ClinVar (database versions not stated): gnomAD 0.00005; TOPMed 0.00021; ExAC 0.00024; gnomAD exomes 0.00027; 1000 Genomes Project 30x 0.00042; 1000 Genomes Project 0.00053; ESP Exome Variant Server 0.00057.
gnomAD v4.1: 223 of 1,210,516 alleles (0.018%); highest among the groups gnomAD compares: Middle Eastern, 0.21%; 1 homozygote.

Submissions (7):

Labcorp Genetics (formerly Invitae), Labcorp
Classification: Benign for Pyruvate dehydrogenase E1-alpha deficiency. Last evaluated: 2026-01-19. Review status: criteria provided, single submitter. Criteria: Invitae Variant Classification Sherloc (09022015). Collection method: clinical testing. Allele origin: germline.

Mayo Clinic Laboratories, Mayo Clinic
Classification: Likely benign. Last evaluated: 2025-02-28. Review status: criteria provided, single submitter. Criteria: ACMG Guidelines, 2015. Collection method: clinical testing. Allele origin: germline. Observed: 2 variant alleles.
Comment: BP4, BP7

Blueprint Genetics
Classification: Likely benign. Last evaluated: 2024-11-19. Review status: criteria provided, single submitter. Criteria: ACMG Guidelines, 2015. Collection method: clinical testing. Allele origin: germline.

CeGaT Center for Human Genetics Tuebingen
Classification: Likely benign. Last evaluated: 2023-08-01. Review status: criteria provided, single submitter. Criteria: CeGaT Center For Human Genetics Tuebingen Variant Classification Criteria Version 2. Collection method: clinical testing. Allele origin: germline. Affected: yes. Observed: 2 variant alleles.
Comment: PDHA1: BP4, BP7, BS2

GeneDx
Classification: Likely benign. Last evaluated: 2017-09-08. Review status: criteria provided, single submitter. Criteria: GeneDx Variant Classification (06012015). Collection method: clinical testing. Allele origin: germline. Affected: yes.
Comment: This variant is considered likely benign or benign based on one or more of the following criteria: it is a conservative change, it occurs at a poorly conserved position in the protein, it is predicted to be benign by multiple in silico algorithms, and/or has population frequency not consistent with disease.

Ambry Genetics
Classification: Likely benign for Inborn genetic diseases. Last evaluated: 2017-05-31. Review status: criteria provided, single submitter. Criteria: Ambry Variant Classification Scheme 2023. Collection method: clinical testing. Allele origin: germline.

Natera, Inc.
Classification: Likely benign for Pyruvate decarboxylase deficiency. Last evaluated: 2019-12-13. Review status: no assertion criteria provided. Collection method: clinical testing. Allele origin: germline. Not counted in ClinVar's aggregate classification.

NM_000284.4(PDHA1):c.693G>A (p.Thr231=)

Gene: PDHA1 (pyruvate dehydrogenase E1 subunit alpha 1; plus strand). Cytogenetic location: Xp22.12.
Variant type: single nucleotide variant.
Coding change: c.693G>A on transcript NM_000284.4 (MANE Select); coding-DNA position 693, G replaced by A.
Protein change: p.Thr231=; no amino-acid change (threonine 231 retained).
Molecular consequence: synonymous variant.
Genome position (GRCh38, 1-based): chrX:19,355,438, G>A. VCF-style: chrX-19355438-G-A. GRCh37 (hg19) VCF-style: chrX-19373556-G-A.
Other names: p.Thr231=; c.807G>A, p.Thr269= (NM_001173454.2); c.714G>A, p.Thr238= (NM_001173455.2); c.600G>A, p.Thr200= (NM_001173456.2).
Identifiers: ClinVar variation 381875 (VCV000381875.42), dbSNP rs138237215, ClinGen allele CA10363078.
Genomic context (GRCh38, chrX:19,355,438, plus strand): 5'-AGCTTTGTGGAAATTACCTTGTATTTTCATCTGTGAGAATAATCGCTATGGAATGGGAAC[G>A]TCTGTTGAGAGAGCGGCAGCCAGCACTGATTACTACAAGAGAGGCGATTTCATTCCTGGG-3'
Protein context (NP_000275.1, residues 221-241): ICENNRYGMG[Thr231=]SVERAAASTD